The following is an entry in ClinVar:

NM_002968.3(SALL1):c.1514A>G (p.His505Arg)

Gene: SALL1 (spalt like transcription factor 1; minus strand). Cytogenetic location: 16q12.1.
Variant type: single nucleotide variant.
Coding change: c.1514A>G on transcript NM_002968.3 (MANE Select); coding-DNA position 1514, A replaced by G.
Protein change: p.His505Arg; replaces histidine 505 with arginine.
Molecular consequence: missense variant.
Genome position (GRCh38, 1-based): chr16:51,140,708, T>C on the plus strand (A>G on the coding strand, the complement: SALL1 is on the minus strand). VCF-style: chr16-51140708-T-C. GRCh37 (hg19) VCF-style: chr16-51174619-T-C.
Other names: c.1223A>G, p.His408Arg (NM_001127892.2); short protein forms H408R, H505R.
Identifiers: ClinVar variation 693986 (VCV000693986.1), dbSNP rs776094507, ClinGen allele CA395888295.

ClinVar aggregate classification (germline): Uncertain significance (1 of 4 stars; one submission).

Conditions:
Townes-Brocks syndrome 1 (TBS1). Also called: REAR SYNDROME; RENAL-EAR-ANAL-RADIAL SYNDROME; DEAFNESS, SENSORINEURAL, WITH IMPERFORATE ANUS AND THUMB ANOMALIES; SALL1-Related Townes-Brocks Syndrome. Identifiers: Orphanet 857, MedGen C4551481, MONDO:0054581, OMIM 107480.

Submission:

Johns Hopkins Genomics, Johns Hopkins University
Classification: Uncertain significance for Townes-Brocks syndrome 1. Last evaluated: 2019-08-04. Review status: criteria provided, single submitter. Criteria: ACMG Guidelines, 2015. Collection method: clinical testing. Allele origin: germline.
Comment: This SALL1 variant is absent from large population datasets and has not been reported in the literature, to our knowledge. Two bioinformatic tools queried predict that this substitution would be probably damaging, and the histidine residue at this position is evolutionarily conserved across all species assessed. Bioinformatic analysis predicts that this missense variant would not affect normal exon 2 splicing, although this has not been confirmed experimentally to our knowledge. Due to the presence of this variant in the proband's assumed unaffected father in addition to the lack of previously reported disease associated missense variation in SALL1, the clinical significance of c.1514A>G is uncertain at this time.